The following is an entry in ClinVar:

ClinVar aggregate classification (germline): Uncertain significance (1 of 4 stars; one submission).

Allele frequency attached by ClinVar (database versions not stated): gnomAD exomes below 0.00001.

Submission:

Labcorp Genetics (formerly Invitae), Labcorp
Classification: Uncertain significance. Last evaluated: 2023-11-27. Review status: criteria provided, single submitter. Criteria: Invitae Variant Classification Sherloc (09022015). Collection method: clinical testing. Allele origin: germline.
Comment: This sequence change creates a premature translational stop signal (p.Ala73Hisfs*18) in the BBIP1 gene. While this is not anticipated to result in nonsense mediated decay, it is expected to disrupt the last 20 amino acid(s) of the BBIP1 protein. This variant is not present in population databases (gnomAD no frequency). This variant has not been reported in the literature in individuals affected with BBIP1-related conditions. ClinVar contains an entry for this variant (Variation ID: 2130174). Experimental studies and prediction algorithms are not available or were not evaluated, and the functional significance of this variant is currently unknown. In summary, the available evidence is currently insufficient to determine the role of this variant in disease. Therefore, it has been classified as a Variant of Uncertain Significance.

NM_001195305.3(BBIP1):c.216del (p.Ala73fs)

Gene: BBIP1 (BBSome interacting protein 1; minus strand). Cytogenetic location: 10q25.2.
Variant type: Deletion.
Coding change: c.216del on transcript NM_001195305.3 (MANE Select); coding-DNA position 216, one base deleted (A; older notation c.216delA).
Protein change: p.Ala73fs; shifts the reading frame from alanine 73.
Molecular consequence: frameshift variant. On other transcripts: 3 prime UTR variant (1).
Genome position (GRCh38, 1-based): chr10:110,900,423, T deleted on the plus strand (A on the coding strand, the reverse complement: BBIP1 is on the minus strand). VCF-style (leftmost placement, unchanged base first): chr10-110900422-CT-C. GRCh37 (hg19) VCF-style: chr10-112660180-CT-C.
Other names: c.*61del (NM_001195304.2); c.216del, p.Ala73fs (NM_001195306.2); c.141del, p.Ala48fs (NM_001195307.2); c.150del, p.Ala51fs (NM_001243783.3); short protein forms A51fs, A48fs, A73fs.
Identifiers: ClinVar variation 2130174 (VCV002130174.4), dbSNP rs2493634440, ClinGen allele CA2580082349.
Genomic context (GRCh38, chr10:110,900,422, plus strand): 5'-AGTGGGTTATTTGCCGTTGATCCTTTTCTGCCATTTCTTGTTGGCGAATTGTATTCTGTG[CT>C]GCTTGATGCATTTTCTCTAGTTTTTCCAGAGTCAGAGATTTTAAGGGTAAAAGTTTGGGT-3'